The following is an entry in ClinVar:

NM_001042492.3(NF1):c.1223A>G (p.Tyr408Cys)

Gene: NF1 (neurofibromin 1; plus strand). Cytogenetic location: 17q11.2.
Variant type: single nucleotide variant.
Coding change: c.1223A>G on transcript NM_001042492.3 (MANE Select); coding-DNA position 1223, A replaced by G.
Protein change: p.Tyr408Cys; replaces tyrosine 408 with cysteine.
Molecular consequence: missense variant.
Genome position (GRCh38, 1-based): chr17:31,201,448, A>G. VCF-style: chr17-31201448-A-G. GRCh37 (hg19) VCF-style: chr17-29528466-A-G.
Other names: c.1223A>G, p.Tyr408Cys (NM_000267.4, NM_001128147.3); short protein forms Y408C.
Identifiers: ClinVar variation 233342 (VCV000233342.18), dbSNP rs876660344, ClinGen allele CA10580216.

ClinVar aggregate classification (germline): Conflicting classifications of pathogenicity. Review status: criteria provided, conflicting classifications (1 of 4 stars). 6 submissions from 5 submitters: Uncertain significance (5); Likely benign (1). Last evaluated 2026-01-11.

Conditions:
Hereditary cancer-predisposing syndrome. Also called: Neoplastic Syndromes, Hereditary; Hereditary Cancer Syndrome; Tumor predisposition; Hereditary neoplastic syndrome. Identifiers: Orphanet 140162, MedGen C0027672, MeSH D009386, MONDO:0015356.
Cardiovascular phenotype. Identifiers: MedGen CN230736.
Neurofibromatosis, type 1 (NF1). Also called: VON RECKLINGHAUSEN DISEASE; Peripheral type neurofibromatosis; NEUROFIBROMATOSIS, TYPE I, SOMATIC; Neurofibromatosis, type I. Identifiers: Orphanet 636, MedGen C0027831, MONDO:0018975, OMIM 162200. Disease mechanism: loss of function.

Allele frequency attached by ClinVar (database versions not stated): gnomAD exomes below 0.00001 and 0.00001; gnomAD 0.00002.
gnomAD v4.1: 11 of 1,611,842 alleles (0.00068%); highest among the groups gnomAD compares: Non-Finnish European, 0.00042%; no homozygotes.

Submissions (6):

Labcorp Genetics (formerly Invitae), Labcorp
Classification: Likely benign for Neurofibromatosis, type 1. Last evaluated: 2026-01-11. Review status: criteria provided, single submitter. Criteria: Invitae Variant Classification Sherloc (09022015). Collection method: clinical testing. Allele origin: germline.

CeGaT Center for Human Genetics Tuebingen
Classification: Uncertain significance. Last evaluated: 2026-01-01. Review status: criteria provided, single submitter. Criteria: CeGaT Center For Human Genetics Tuebingen Variant Classification Criteria Version 2. Collection method: clinical testing. Allele origin: germline. Affected: yes. Observed: 1 variant allele.

Blueprint Genetics
Classification: Uncertain significance. Last evaluated: 2022-12-29. Review status: criteria provided, single submitter. Criteria: ACMG Guidelines, 2015. Collection method: clinical testing. Allele origin: germline.

Genome-Nilou Lab
Classification: Uncertain significance for Neurofibromatosis, type 1. Last evaluated: 2022-03-15. Review status: criteria provided, single submitter. Criteria: ACMG Guidelines, 2015. Collection method: clinical testing. Allele origin: germline. Affected: no.

Ambry Genetics
Classification: Uncertain significance for Cardiovascular phenotype; Hereditary cancer-predisposing syndrome. Last evaluated: 2020-06-15. Review status: criteria provided, single submitter. Criteria: Ambry Variant Classification Scheme 2023. Collection method: clinical testing. Allele origin: germline.

Ambry Genetics
Classification: Uncertain significance for Hereditary cancer-predisposing syndrome. Last evaluated: 2015-08-06. Review status: criteria provided, single submitter. Criteria: Ambry Autosomal Dominant and X-Linked criteria (10/2015). Collection method: clinical testing. Allele origin: germline. Observed: 1 variant allele.
Comment: The p.Y408C variant (also known as c.1223A>G), located in coding exon 11 of the NF1 gene, results from an A to G substitution at nucleotide position 1223. The tyrosine at codon 408 is replaced by cysteine, an amino acid with highly dissimilar properties. This variant was not reported in population based cohorts in the following databases: Database of Single Nucleotide Polymorphisms (dbSNP), NHLBI Exome Sequencing Project (ESP), and 1000 Genomes Project. In the ESP, this variant was not observed in 6497 samples (12994 alleles) with coverage at this position.To date, this alteration has been detected with an allele frequency of approximately 0.002% (greater than 55000alleles tested) in our clinical cohort. This amino acid position is well conserved in available vertebrate species. In addition, the in silico prediction for this alteration is inconclusive.Since supporting evidence is limited at this time, the clinical significance of p.Y408Cremains unclear.